The following is an entry in ClinVar:

ClinVar aggregate classification (germline): Uncertain significance (1 of 4 stars; one submission).

Conditions:
Early-infantile DEE. Also called: Ohtahara syndrome; Early infantile epileptic encephalopathy with suppression bursts; Early infantile epileptic encephalopathy. Identifiers: Orphanet 1934, MedGen C0393706, MONDO:0800491.

Submission:

Labcorp Genetics (formerly Invitae), Labcorp
Classification: Uncertain significance for Early-infantile DEE. Last evaluated: 2022-06-03. Review status: criteria provided, single submitter. Criteria: Invitae Variant Classification Sherloc (09022015). Collection method: clinical testing. Allele origin: germline.
Comment: This variant is not present in population databases (gnomAD no frequency). In summary, the available evidence is currently insufficient to determine the role of this variant in disease. Therefore, it has been classified as a Variant of Uncertain Significance. Experimental studies and prediction algorithms are not available or were not evaluated, and the functional significance of this variant is currently unknown. ClinVar contains an entry for this variant (Variation ID: 1402972). This variant has not been reported in the literature in individuals affected with ST3GAL3-related conditions. This sequence change affects the initiator methionine of the ST3GAL3 mRNA. The next in-frame methionine is located at codon 95.

NM_006279.5(ST3GAL3):c.3G>A (p.Met1Ile)

Gene: ST3GAL3 (ST3 beta-galactoside alpha-2,3-sialyltransferase 3; plus strand). Cytogenetic location: 1p34.1.
Variant type: single nucleotide variant.
Coding change: c.3G>A on transcript NM_006279.5 (MANE Select); coding-DNA position 3, G replaced by A.
Protein change: p.Met1Ile; changes the start codon (methionine 1).
Molecular consequence: missense variant, initiator codon variant. On other transcripts: 5 prime UTR variant (1), non-coding transcript variant (8).
Genome position (GRCh38, 1-based): chr1:43,736,265, G>A. VCF-style: chr1-43736265-G-A. GRCh37 (hg19) VCF-style: chr1-44201936-G-A.
Other names: c.3G>A, p.Met1Ile (NM_001270459.2, NM_001270460.2, NM_001270461.3 and 17 more transcripts); c.-451G>A (NM_001350621.2); short protein forms M1I.
Identifiers: ClinVar variation 1402972 (VCV001402972.7), dbSNP rs2154091793, ClinGen allele CA340030501.